The following is an entry in ClinVar:

ClinVar aggregate classification (germline): Uncertain significance (1 of 4 stars; one submission).

Submission:

CeGaT Center for Human Genetics Tuebingen
Classification: Uncertain significance. Last evaluated: 2024-06-01. Review status: criteria provided, single submitter. Criteria: CeGaT Center For Human Genetics Tuebingen Variant Classification Criteria Version 2. Collection method: clinical testing. Allele origin: germline. Affected: yes. Observed: 1 variant allele.
Comment: MBD5: PM2

NM_001378120.1(MBD5):c.947A>C (p.Asn316Thr)

Gene: MBD5 (methyl-CpG binding domain protein 5; plus strand). Cytogenetic location: 2q23.1.
Variant type: single nucleotide variant.
Coding change: c.947A>C on transcript NM_001378120.1 (MANE Select); coding-DNA position 947, A replaced by C.
Protein change: p.Asn316Thr; replaces asparagine 316 with threonine.
Molecular consequence: missense variant.
Genome position (GRCh38, 1-based): chr2:148,468,890, A>C. VCF-style: chr2-148468890-A-C. GRCh37 (hg19) VCF-style: chr2-149226459-A-C.
Other names: c.947A>C, p.Asn316Thr (NM_018328.5); short protein forms N316T.
Identifiers: ClinVar variation 3251148 (VCV003251148.18), dbSNP rs1015434062.